The following is an entry in ClinVar:

ClinVar aggregate classification (germline): Likely benign. Review status: criteria provided, multiple submitters, no conflicts (2 of 4 stars). 3 submissions from 3 submitters: Likely benign (3). Last evaluated 2026-01-13.

Conditions:
Nemaline myopathy 2 (NEM2). Also called: Nemaline myopathy 2, autosomal recessive. Identifiers: MedGen C1850569, MONDO:0009725, OMIM 256030.
NEB-related disorder. Also called: NEB-related condition; NEB-Related Disorders.

Allele frequency attached by ClinVar (database versions not stated): ExAC 0.00007; gnomAD exomes 0.00008; 1000 Genomes Project 30x 0.00016; 1000 Genomes Project 0.00020; ESP Exome Variant Server 0.00031; gnomAD 0.00036 and 0.00040; TOPMed 0.00040.
gnomAD v4.1: 114 of 1,612,388 alleles (0.0071%); highest among the groups gnomAD compares: African/African-American, 0.13%; no homozygotes.

Submissions (3):

Labcorp Genetics (formerly Invitae), Labcorp
Classification: Likely benign for Nemaline myopathy 2. Last evaluated: 2026-01-13. Review status: criteria provided, single submitter. Criteria: Invitae Variant Classification Sherloc (09022015). Collection method: clinical testing. Allele origin: germline.

PreventionGenetics, part of Exact Sciences
Classification: Likely benign for NEB-related condition. Last evaluated: 2025-02-18. Review status: criteria provided, single submitter. Criteria: ACMG Guidelines, 2015. Collection method: clinical testing. Allele origin: germline.
Comment: This variant is classified as likely benign based on ACMG/AMP sequence variant interpretation guidelines (Richards et al. 2015 PMID: 25741868, with internal and published modifications).

Blueprint Genetics
Classification: Likely benign. Last evaluated: 2024-07-09. Review status: criteria provided, single submitter. Criteria: ACMG Guidelines, 2015. Collection method: clinical testing. Allele origin: germline.

NM_001164508.2(NEB):c.6435C>T (p.Ile2145=)

Gene: NEB (nebulin; minus strand). Cytogenetic location: 2q23.3.
Variant type: single nucleotide variant.
Coding change: c.6435C>T on transcript NM_001164508.2 (MANE Select); coding-DNA position 6435, C replaced by T.
Protein change: p.Ile2145=; no amino-acid change (isoleucine 2145 retained).
Molecular consequence: synonymous variant.
Genome position (GRCh38, 1-based): chr2:151,656,213, G>A on the plus strand (C>T on the coding strand, the complement: NEB is on the minus strand). VCF-style: chr2-151656213-G-A. GRCh37 (hg19) VCF-style: chr2-152512727-G-A.
Other names: c.6435C>T, p.Ile2145= (NM_001164507.2, NM_001271208.2, NM_004543.5).
Identifiers: ClinVar variation 772950 (VCV000772950.13), dbSNP rs375014703, ClinGen allele CA1910102.